The following is an entry in ClinVar:

NM_000702.4(ATP1A2):c.1756A>C (p.Met586Leu)

Gene: ATP1A2 (ATPase Na+/K+ transporting subunit alpha 2; plus strand). Cytogenetic location: 1q23.2.
Variant type: single nucleotide variant.
Coding change: c.1756A>C on transcript NM_000702.4 (MANE Select); coding-DNA position 1756, A replaced by C.
Protein change: p.Met586Leu; replaces methionine 586 with leucine.
Molecular consequence: missense variant.
Genome position (GRCh38, 1-based): chr1:160,130,526, A>C. VCF-style: chr1-160130526-A-C. GRCh37 (hg19) VCF-style: chr1-160100316-A-C.
Other names: short protein forms M586L.
Identifiers: ClinVar variation 4881726 (VCV004881726.2).

ClinVar aggregate classification (germline): Uncertain significance (1 of 4 stars; one submission).

Submission:

Dasa
Classification: Uncertain significance. Last evaluated: 2026-01-22. Review status: criteria provided, single submitter. Criteria: DASA Assertion Criteria. Collection method: clinical testing. Allele origin: germline.
Comment: NM_000702.4(ATP1A2):c.1756A>C (p.Met586Leu) is a missense variant that results in the substitution of methionine with leucine. This variant is absent from population databases. Computational prediction algorithms are consistent with a benign effect. The currently available literature and clinical evidence are not sufficient to establish a definitive association between this variant and the reported condition. Therefore, this variant is classified as a variant of uncertain significance.